The following is an entry in ClinVar:

ClinVar aggregate classification (germline): Pathogenic/Likely pathogenic. Review status: criteria provided, multiple submitters, no conflicts (2 of 4 stars). 2 submissions from 2 submitters: Pathogenic (1); Likely pathogenic (1). Last evaluated 2023-04-06.

Conditions:
Juvenile myelomonocytic leukemia (JMML). Also called: LEUKEMIA, JUVENILE MYELOMONOCYTIC, SOMATIC. Identifiers: Orphanet 86834, MedGen C0349639, MONDO:0011908, OMIM 607785, HP:0012209.
Hereditary cancer-predisposing syndrome. Also called: Hereditary Cancer Syndrome; Neoplastic Syndromes, Hereditary; Tumor predisposition; Hereditary neoplastic syndrome. Identifiers: Orphanet 140162, MedGen C0027672, MeSH D009386, MONDO:0015356.

Submissions (2):

Baylor Genetics
Classification: Likely pathogenic for Juvenile myelomonocytic leukemia. Last evaluated: 2023-04-06. Review status: criteria provided, single submitter. Criteria: ACMG Guidelines, 2015. Collection method: clinical testing. Allele origin: unknown.

Ambry Genetics
Classification: Pathogenic for Hereditary cancer-predisposing syndrome. Last evaluated: 2016-02-04. Review status: criteria provided, single submitter. Criteria: Ambry Autosomal Dominant and X-Linked criteria (10/2015). Collection method: clinical testing. Allele origin: germline. Observed: 1 variant allele.
Comment: The c.2952delG pathogenic mutation, located in coding exon 22 of the NF1 gene, results from a deletion of one nucleotide at nucleotide position 2952, causing a translational frameshift with a predicted alternate stop codon. Since frameshifts are typically deleterious in nature, this alteration is interpreted as a disease-causing mutation (ACMG Recommendations for Standards for Interpretation and Reporting of Sequence Variations. Revision 2007. Genet Med. 2008;10:294).

NM_001042492.3(NF1):c.2952del (p.Gln985fs)

Gene: NF1 (neurofibromin 1; plus strand). Cytogenetic location: 17q11.2.
Variant type: Deletion.
Coding change: c.2952del on transcript NM_001042492.3 (MANE Select); coding-DNA position 2952, one base deleted (G; older notation c.2952delG).
Protein change: p.Gln985fs; shifts the reading frame from glutamine 985.
Molecular consequence: frameshift variant.
Genome position (GRCh38, 1-based): chr17:31,229,936, G deleted; the last of 3 consecutive G bases (chr17:31,229,934-31,229,936); deleting any one gives the same sequence. VCF-style (leftmost placement, unchanged base first): chr17-31229933-AG-A. GRCh37 (hg19) VCF-style: chr17-29556951-AG-A.
Other names: c.2952delG, p.Gln985Lysfs (NM_000267.4); short protein forms Q985fs.
Identifiers: ClinVar variation 480089 (VCV000480089.4), dbSNP rs1555614453, ClinGen allele CA658656552.
Genomic context (GRCh38, chr17:31,229,933, plus strand): 5'-AACCATAGCTATAATGAAGAACTTGCTAGATAATCATACTGAAGGCAGCTCTGAACATCT[AG>A]GGCAAGCTAGCATTGAAACAATGATGTTAAATCTGGTCAGGTAAGCATTCTACTGAAATG-3'